The following is an entry in ClinVar:

ClinVar aggregate classification (germline): Likely pathogenic (1 of 4 stars; one submission).

Submission:

Labcorp Genetics (formerly Invitae), Labcorp
Classification: Likely pathogenic. Last evaluated: 2019-12-15. Review status: criteria provided, single submitter. Criteria: Invitae Variant Classification Sherloc (09022015). Collection method: clinical testing. Allele origin: germline.
Comment: In summary, the currently available evidence indicates that the variant is pathogenic, but additional data are needed to prove that conclusively. Therefore, this variant has been classified as Likely Pathogenic. Loss-of-function variants in HPS3 are known to be pathogenic (PMID: 11590544). This variant has not been reported in the literature in individuals with HPS3-related conditions. This variant results in a copy number gain of the genomic region encompassing exon 4 of the HPS3 gene. While the exact position of this variant cannot be determined from this data, sub-genic copy number gains are generally in tandem (PMID: 25640679) and may result in an absent or disrupted protein product.

Literature cited by the submitters: PubMed 11590544; PubMed 25640679.

NC_000003.12:g.(?_149141285)_(149141390_?)dup

Gene: HPS3 (HPS3 biogenesis of lysosomal organelles complex 2 subunit 1; plus strand). Cytogenetic location: 3q24.
Variant type: Duplication.
Identifiers: ClinVar variation 832467 (VCV000832467.5).